The following is an entry in ClinVar:

ClinVar aggregate classification (germline): Uncertain significance (1 of 4 stars; one submission).

Conditions:
Hypertrophic cardiomyopathy 2. Also called: TNNT2-Related Familial Hypertrophic Cardiomyopathy. Identifiers: MedGen C1861864, MONDO:0007266, OMIM 115195.
Cardiomyopathy, familial restrictive, 3. Identifiers: Orphanet 75249, MedGen C2676271, MONDO:0012900, OMIM 612422.
Dilated cardiomyopathy 1D. Identifiers: Orphanet 154, Orphanet 54260, MedGen C1832243, MONDO:0011095, OMIM 601494.

Allele frequency attached by ClinVar (database versions not stated): gnomAD 0.00001.
gnomAD v4.1: 1 of 1,613,694 alleles (0.000062%); highest among the groups gnomAD compares: Admixed American, 0.0017%; no homozygotes.

Submission:

Labcorp Genetics (formerly Invitae), Labcorp
Classification: Uncertain significance for Cardiomyopathy, familial restrictive, 3; Hypertrophic cardiomyopathy 2; Dilated cardiomyopathy 1D. Last evaluated: 2022-11-15. Review status: criteria provided, single submitter. Criteria: Invitae Variant Classification Sherloc (09022015). Collection method: clinical testing. Allele origin: germline.
Comment: In summary, the available evidence is currently insufficient to determine the role of this variant in disease. Therefore, it has been classified as a Variant of Uncertain Significance. Algorithms developed to predict the effect of sequence changes on RNA splicing suggest that this variant may create or strengthen a splice site. This variant has not been reported in the literature in individuals affected with TNNT2-related conditions. This variant is not present in population databases (gnomAD no frequency). This sequence change falls in intron 8 of the TNNT2 gene. It does not directly change the encoded amino acid sequence of the TNNT2 protein.

NM_001276345.2(TNNT2):c.294+11G>A

Gene: TNNT2 (troponin T2, cardiac type; minus strand). Cytogenetic location: 1q32.1.
Variant type: single nucleotide variant.
Coding change: c.294+11G>A on transcript NM_001276345.2 (MANE Select); 11 bases into the intron after coding-DNA position 294, G replaced by A.
Molecular consequence: intron variant.
Genome position (GRCh38, 1-based): chr1:201,365,599, C>T on the plus strand (G>A on the coding strand, the complement: TNNT2 is on the minus strand). VCF-style: chr1-201365599-C-T. GRCh37 (hg19) VCF-style: chr1-201334727-C-T.
Other names: c.249+11G>A (NM_001001432.3); c.264+11G>A (NM_001001431.3, NM_001001430.3, NM_001276347.2); c.291+11G>A (NM_001276346.2); c.294+11G>A (NM_000364.4).
Identifiers: ClinVar variation 2193633 (VCV002193633.4), dbSNP rs1659510572, ClinGen allele CA089996.